The following is an entry in ClinVar:

NM_015705.6(SGSM3):c.420C>T (p.Ser140=)

Gene: SGSM3 (small G protein signaling modulator 3; plus strand). Cytogenetic location: 22q13.1.
Variant type: single nucleotide variant.
Coding change: c.420C>T on transcript NM_015705.6 (MANE Select); coding-DNA position 420, C replaced by T.
Protein change: p.Ser140=; no amino-acid change (serine 140 retained).
Molecular consequence: synonymous variant. On other transcripts: 5 prime UTR variant (1), non-coding transcript variant (4).
Genome position (GRCh38, 1-based): chr22:40,404,610, C>T. VCF-style: chr22-40404610-C-T. GRCh37 (hg19) VCF-style: chr22-40800614-C-T.
Other names: c.231C>T, p.Ser77= (NM_001301849.2, NM_001350042.2, NM_001350044.2 and 1 more transcripts); c.420C>T, p.Ser140= (NM_001350039.2, NM_001350040.2, NM_001350041.2); c.219C>T, p.Ser73= (NM_001350043.2, NM_001350046.2, NM_001350047.2); c.-126C>T (NM_001350048.2).
Identifiers: ClinVar variation 4875199 (VCV004875199.2).

ClinVar aggregate classification (germline): Likely benign (1 of 4 stars; one submission).

Submission:

CeGaT Center for Human Genetics Tuebingen
Classification: Likely benign. Last evaluated: 2026-06-01. Review status: criteria provided, single submitter. Criteria: CeGaT Center For Human Genetics Tuebingen Variant Classification Criteria Version 2. Collection method: clinical testing. Allele origin: germline. Affected: yes. Observed: 1 variant allele.
Comment: SGSM3: PM2:Supporting, BP4, BP7